The following is an entry in ClinVar:

ClinVar aggregate classification (germline): Benign/Likely benign. Review status: criteria provided, multiple submitters, no conflicts (2 of 4 stars). 2 submissions from 2 submitters: Benign (1); Likely benign (1). Last evaluated 2026-05-04.

Conditions:
Colorectal cancer, hereditary nonpolyposis, type 7. Identifiers: Orphanet 144, MedGen C1858380, MONDO:0013725, OMIM 614385.

Submissions (2):

Myriad Genetics, Inc.
Classification: Benign for Colorectal cancer, hereditary nonpolyposis, type 7. Last evaluated: 2026-05-04. Review status: criteria provided, single submitter. Criteria: Myriad Autosomal Dominant, Autosomal Recessive and X-Linked Classification Criteria (2023). Collection method: clinical testing. Allele origin: unknown.
Comment: This variant is considered benign. This variant is a silent/synonymous amino acid change and it is not expected to impact splicing.

Ambry Genetics
Classification: Likely benign. Last evaluated: 2022-03-17. Review status: criteria provided, single submitter. Criteria: Ambry Variant Classification Scheme 2023. Collection method: clinical testing. Allele origin: germline.

NM_001040108.2(MLH3):c.2340C>T (p.Thr780=)

Gene: MLH3 (mutL homolog 3; minus strand). Cytogenetic location: 14q24.3.
Variant type: single nucleotide variant.
Coding change: c.2340C>T on transcript NM_001040108.2 (MANE Select); coding-DNA position 2340, C replaced by T.
Protein change: p.Thr780=; no amino-acid change (threonine 780 retained).
Molecular consequence: synonymous variant.
Genome position (GRCh38, 1-based): chr14:75,047,316, G>A on the plus strand (C>T on the coding strand, the complement: MLH3 is on the minus strand). VCF-style: chr14-75047316-G-A. GRCh37 (hg19) VCF-style: chr14-75514019-G-A.
Other names: c.2340C>T, p.Thr780= (NM_014381.3).
Identifiers: ClinVar variation 1789856 (VCV001789856.3), dbSNP rs2503272531, ClinGen allele CA487273705.
Genomic context (GRCh38, chr14:75,047,316, plus strand): 5'-GTTCTCTAAGCGGTTCTTGTCCTTCAGCAGAATGTCAGGTTCAACTTGAAGACTGAGATT[G>A]GTAGTGACTCCATTACTTTCCTCTACTTCTGTATCCAGAGGATTTTCAACCTTCCCATAT-3'
Protein context (NP_001035197.1, residues 770-790): TEVEESNGVT[Thr780=]NLSLQVEPDI